The following is an entry in ClinVar:

NM_002439.5(MSH3):c.934A>G (p.Thr312Ala)

Genes: MSH3 (mutS homolog 3; plus strand), LOC126807437 (MED14-independent group 3 enhancer GRCh37_chr5:79968379-79969578; plus strand). Cytogenetic location: 5q14.1.
Variant type: single nucleotide variant.
Coding change: c.934A>G on transcript NM_002439.5 (MANE Select); coding-DNA position 934, A replaced by G.
Protein change: p.Thr312Ala; replaces threonine 312 with alanine.
Molecular consequence: missense variant.
Genome position (GRCh38, 1-based): chr5:80,672,765, A>G. VCF-style: chr5-80672765-A-G. GRCh37 (hg19) VCF-style: chr5-79968584-A-G.
Other names: c.934A>G (NM_002439.3); short protein forms T312A.
Identifiers: ClinVar variation 639909 (VCV000639909.10), dbSNP rs1580552231, ClinGen allele CA360267367.

ClinVar aggregate classification (germline): Uncertain significance. Review status: criteria provided, multiple submitters, no conflicts (2 of 4 stars). 2 submissions from 2 submitters: Uncertain significance (2). Last evaluated 2025-07-28.

Conditions:
Hereditary cancer-predisposing syndrome. Also called: Neoplastic Syndromes, Hereditary; Tumor predisposition; Hereditary Cancer Syndrome; Hereditary neoplastic syndrome. Identifiers: Orphanet 140162, MedGen C0027672, MeSH D009386, MONDO:0015356.

Allele frequency attached by ClinVar (database versions not stated): gnomAD exomes below 0.00001.
gnomAD v4.1: 1 of 1,614,080 alleles (0.000062%); highest among the groups gnomAD compares: Non-Finnish European, 0.000085%; no homozygotes.

Submissions (2):

Ambry Genetics
Classification: Uncertain significance for Hereditary cancer-predisposing syndrome. Last evaluated: 2025-07-28. Review status: criteria provided, single submitter. Criteria: Ambry Variant Classification Scheme 2023. Collection method: clinical testing. Allele origin: germline.
Comment: The p.T312A variant (also known as c.934A>G), located in coding exon 6 of the MSH3 gene, results from an A to G substitution at nucleotide position 934. The threonine at codon 312 is replaced by alanine, an amino acid with similar properties. This amino acid position is conserved. In addition, this alteration is predicted to be deleterious by in silico analysis. Based on the available evidence, the clinical significance of this variant remains unclear.

Labcorp Genetics (formerly Invitae), Labcorp
Classification: Uncertain significance. Last evaluated: 2024-12-29. Review status: criteria provided, single submitter. Criteria: Invitae Variant Classification Sherloc (09022015). Collection method: clinical testing. Allele origin: germline.
Comment: This sequence change replaces threonine, which is neutral and polar, with alanine, which is neutral and non-polar, at codon 312 of the MSH3 protein (p.Thr312Ala). This variant is not present in population databases (gnomAD no frequency). This variant has not been reported in the literature in individuals affected with MSH3-related conditions. ClinVar contains an entry for this variant (Variation ID: 639909). An algorithm developed to predict the effect of missense changes on protein structure and function (PolyPhen-2) suggests that this variant is likely to be disruptive. In summary, the available evidence is currently insufficient to determine the role of this variant in disease. Therefore, it has been classified as a Variant of Uncertain Significance.